The following is an entry in ClinVar:

ClinVar aggregate classification (germline): Pathogenic (1 of 4 stars; one submission).

Conditions:
Dyskeratosis congenita, autosomal recessive 5 (DKCB5). Identifiers: MedGen C3554656, MONDO:0014076, OMIM 615190.
Pulmonary fibrosis and/or bone marrow failure, Telomere-related, 3. Also called: PULMONARY FIBROSIS AND/OR BONE MARROW FAILURE SYNDROME, TELOMERE-RELATED, 3. Identifiers: Orphanet 2032, MedGen C4225346, MONDO:0014613, OMIM 616373.

Submission:

Labcorp Genetics (formerly Invitae), Labcorp
Classification: Pathogenic for Dyskeratosis congenita, autosomal recessive 5; Pulmonary fibrosis and/or bone marrow failure, Telomere-related, 3. Last evaluated: 2019-08-04. Review status: criteria provided, single submitter. Criteria: Invitae Variant Classification Sherloc (09022015). Collection method: clinical testing. Allele origin: germline.
Comment: For these reasons, this variant has been classified as Pathogenic. Loss-of-function variants in RTEL1 are known to be pathogenic (PMID: 23453664, 23959892, 25607374). This variant has not been reported in the literature in individuals with RTEL1-related conditions. This variant is not present in population databases (ExAC no frequency). This sequence change creates a premature translational stop signal (p.Gln159*) in the RTEL1 gene. It is expected to result in an absent or disrupted protein product.

Literature cited by the submitters: PubMed 23453664; PubMed 23959892; PubMed 25607374.

NM_001283009.2(RTEL1):c.475C>T (p.Gln159Ter)

Genes: RTEL1 (regulator of telomere elongation helicase 1; plus strand), RTEL1-TNFRSF6B (RTEL1-TNFRSF6B readthrough (NMD candidate); plus strand). Cytogenetic location: 20q13.33.
Variant type: single nucleotide variant.
Coding change: c.475C>T on transcript NM_001283009.2 (MANE Select); coding-DNA position 475, C replaced by T.
Protein change: p.Gln159Ter; replaces glutamine 159 with a stop codon.
Molecular consequence: nonsense. On other transcripts: non-coding transcript variant (1), 5 prime UTR variant (1).
Genome position (GRCh38, 1-based): chr20:63,662,625, C>T. VCF-style: chr20-63662625-C-T. GRCh37 (hg19) VCF-style: chr20-62293978-C-T.
Other names: c.-195C>T (NM_001283010.1); c.475C>T, p.Gln159Ter (NM_016434.4); c.547C>T, p.Gln183Ter (NM_032957.5); short protein forms Q159*, Q183*.
Identifiers: ClinVar variation 938109 (VCV000938109.8), dbSNP rs2090043175, ClinGen allele CA409669769.